The following is an entry in ClinVar:

ClinVar aggregate classification (germline): Conflicting classifications of pathogenicity. Review status: criteria provided, conflicting classifications (1 of 4 stars). 3 submissions from 3 submitters: Uncertain significance (1); Likely benign (1). 1 of the submissions does not count toward it. Last evaluated 2023-01-27.

Conditions:
ADAMTS17-related disorder. Also called: ADAMTS17-related condition.

Allele frequency attached by ClinVar (database versions not stated): ExAC 0.00001; gnomAD exomes 0.00002 and 0.00014; gnomAD 0.00003; TOPMed 0.00003.
gnomAD v4.1: 199 of 1,613,276 alleles (0.012%); highest among the groups gnomAD compares: Non-Finnish European, 0.016%; 1 homozygote.

Submissions (3):

Blueprint Genetics
Classification: Likely benign. Last evaluated: 2023-01-27. Review status: criteria provided, single submitter. Criteria: ACMG Guidelines, 2015. Collection method: clinical testing. Allele origin: germline.

Labcorp Genetics (formerly Invitae), Labcorp
Classification: Uncertain significance. Last evaluated: 2022-10-18. Review status: criteria provided, single submitter. Criteria: Invitae Variant Classification Sherloc (09022015). Collection method: clinical testing. Allele origin: germline.
Comment: This sequence change affects codon 358 of the ADAMTS17 mRNA. It is a 'silent' change, meaning that it does not change the encoded amino acid sequence of the ADAMTS17 protein. It affects a nucleotide within the consensus splice site. This variant is present in population databases (rs765922253, gnomAD 0.003%). This variant has not been reported in the literature in individuals affected with ADAMTS17-related conditions. ClinVar contains an entry for this variant (Variation ID: 1406805). Algorithms developed to predict the effect of sequence changes on RNA splicing suggest that this variant is not likely to affect RNA splicing. In summary, the available evidence is currently insufficient to determine the role of this variant in disease. Therefore, it has been classified as a Variant of Uncertain Significance.

PreventionGenetics, part of Exact Sciences
Classification: Likely benign for ADAMTS17-related condition. Last evaluated: 2019-03-13. Review status: no assertion criteria provided. Collection method: clinical testing. Allele origin: germline. Not counted in ClinVar's aggregate classification.
Comment: This variant is classified as likely benign based on ACMG/AMP sequence variant interpretation guidelines (Richards et al. 2015 PMID: 25741868, with internal and published modifications).

NM_139057.4(ADAMTS17):c.1074T>C (p.Val358=)

Gene: ADAMTS17 (ADAM metallopeptidase with thrombospondin type 1 motif 17; minus strand). Cytogenetic location: 15q26.3.
Variant type: single nucleotide variant.
Coding change: c.1074T>C on transcript NM_139057.4 (MANE Select); coding-DNA position 1074, T replaced by C.
Protein change: p.Val358=; no amino-acid change (valine 358 retained).
Molecular consequence: synonymous variant.
Genome position (GRCh38, 1-based): chr15:100,254,137, A>G on the plus strand (T>C on the coding strand, the complement: ADAMTS17 is on the minus strand). VCF-style: chr15-100254137-A-G. GRCh37 (hg19) VCF-style: chr15-100794342-A-G.
Other names: c.1074T>C (NM_139057.3).
Identifiers: ClinVar variation 1406805 (VCV001406805.6), dbSNP rs765922253, ClinGen allele CA7758411.